The following is an entry in ClinVar:

ClinVar aggregate classification (germline): Conflicting classifications of pathogenicity. Review status: criteria provided, conflicting classifications (1 of 4 stars). 8 submissions from 8 submitters: Uncertain significance (3); Benign (2); Likely benign (2). 1 of the submissions does not count toward it. Last evaluated 2026-01-28.

Conditions:
Hereditary cancer-predisposing syndrome. Also called: Tumor predisposition; Neoplastic Syndromes, Hereditary; Hereditary neoplastic syndrome; Hereditary Cancer Syndrome. Identifiers: Orphanet 140162, MedGen C0027672, MeSH D009386, MONDO:0015356.
Tuberous sclerosis syndrome (TSC). Also called: Tuberous Sclerosis Complex; Tuberous sclerosis. Identifiers: Orphanet 805, MedGen C0041341, MONDO:0001734.
Tuberous sclerosis 1 (TSC1). Identifiers: Orphanet 805, MedGen C1854465, MONDO:0008612, OMIM 191100.

Allele frequency attached by ClinVar (database versions not stated): ExAC 0.00001; gnomAD exomes 0.00001 and 0.00002; TOPMed 0.00002; gnomAD 0.00003.
gnomAD v4.1: 38 of 1,613,168 alleles (0.0024%); highest among the groups gnomAD compares: Admixed American, 0.0033%; no homozygotes.

Submissions (8):

Labcorp Genetics (formerly Invitae), Labcorp
Classification: Benign for Tuberous sclerosis 1. Last evaluated: 2026-01-28. Review status: criteria provided, single submitter. Criteria: Invitae Variant Classification Sherloc (09022015). Collection method: clinical testing. Allele origin: germline.

Dasa
Classification: Uncertain significance. Last evaluated: 2025-11-04. Review status: criteria provided, single submitter. Criteria: DASA Assertion Criteria. Collection method: clinical testing. Allele origin: germline.
Comment: NM_000368.5(TSC1):c.1007G>A (p.Arg336Gln) is a missense variant that results in the substitution of arginine with glutamine. The variant is present at low frequency in population datasets. Based on the available data, this variant is classified as variant of uncertain significance.

All of Us Research Program, National Institutes of Health
Classification: Uncertain significance for Tuberous sclerosis syndrome. Last evaluated: 2024-08-06. Review status: criteria provided, single submitter. Criteria: ACMG Guidelines, 2015. Collection method: clinical testing. Allele origin: germline. Inheritance: Autosomal dominant inheritance. Observed: 8 variant alleles, 8 heterozygotes.
Comment: This missense variant replaces arginine with glutamine at codon 336 of the TSC1 protein. Computational prediction suggests that this variant may not impact protein structure and function (internally defined REVEL score threshold <= 0.5, PMID: 27666373). A functional study has reported this variant to behave like wild-type TSC1 in assays measuring TSC1 stability and TSC1-TSC2-dependent inhibition of TORC1 (PMID: 22161988). This variant has not been reported in individuals affected with TSC1-related disorders in the literature. This variant has been identified in 3/282486 chromosomes in the general population by the Genome Aggregation Database (gnomAD). The available evidence is insufficient to determine the role of this variant in disease conclusively. Therefore, this variant is classified as a Variant of Uncertain Significance.

This study involves interpretation of variants in research participants for the purpose of population health screening. Participant phenotype was not available at the time of variant classification. Additional details can be found in publication PMID: 35346344, PMCID: PMC8962531

Color Diagnostics, LLC DBA Color Health
Classification: Uncertain significance for Tuberous sclerosis syndrome. Last evaluated: 2024-03-04. Review status: criteria provided, single submitter. Criteria: ACMG Guidelines, 2015. Collection method: clinical testing. Allele origin: germline.
Comment: This missense variant replaces arginine with glutamine at codon 336 of the TSC1 protein. Computational prediction suggests that this variant may not impact protein structure and function. A functional study has reported this variant to behave like wild-type TSC1 in assays measuring TSC1 stability and TSC1-TSC2-dependent inhibition of TORC1 (PMID: 22161988). This variant has not been reported in individuals affected with TSC1-related disorders in the literature. This variant has been identified in 3/282486 chromosomes in the general population by the Genome Aggregation Database (gnomAD). The available evidence is insufficient to determine the role of this variant in disease conclusively. Therefore, this variant is classified as a Variant of Uncertain Significance.

Genome-Nilou Lab
Classification: Benign for Tuberous sclerosis 1. Last evaluated: 2021-11-07. Review status: criteria provided, single submitter. Criteria: ACMG Guidelines, 2015. Collection method: clinical testing. Allele origin: germline. Affected: no.

Blueprint Genetics
Classification: Likely benign. Last evaluated: 2021-06-15. Review status: criteria provided, single submitter. Criteria: ACMG Guidelines, 2015. Collection method: clinical testing. Allele origin: germline.

Ambry Genetics
Classification: Likely benign for Hereditary cancer-predisposing syndrome. Last evaluated: 2015-02-06. Review status: criteria provided, single submitter. Criteria: Ambry Variant Classification Scheme 2023. Collection method: clinical testing. Allele origin: germline.

Tuberous sclerosis database (TSC1)
No classification provided. Condition: TSC. Review status: no classification provided. Criteria: Tuberous Sclerosis Database Assertion Criteria 2015. Collection method: curation. Allele origin: germline. Affected: yes. Not counted in ClinVar's aggregate classification.

Literature cited by the submitters: PubMed 22161988 (cited by 3 submitters).

NM_000368.5(TSC1):c.1007G>A (p.Arg336Gln)

Gene: TSC1 (TSC complex subunit 1; minus strand). Cytogenetic location: 9q34.13.
Variant type: single nucleotide variant.
Coding change: c.1007G>A on transcript NM_000368.5 (MANE Select); coding-DNA position 1007, G replaced by A.
Protein change: p.Arg336Gln; replaces arginine 336 with glutamine.
Molecular consequence: missense variant.
Genome position (GRCh38, 1-based): chr9:132,911,475, C>T on the plus strand (G>A on the coding strand, the complement: TSC1 is on the minus strand). VCF-style: chr9-132911475-C-T. GRCh37 (hg19) VCF-style: chr9-135786862-C-T.
Other names: c.1007G>A, p.Arg336Gln (NM_001162426.2); c.854G>A, p.Arg285Gln (NM_001162427.2); c.644G>A, p.Arg215Gln (NM_001362177.2); short protein forms R336Q, R285Q, R215Q.
Identifiers: ClinVar variation 64748 (VCV000064748.21), dbSNP rs397514808, ClinGen allele CA004301.